The following is an entry in ClinVar:

ClinVar aggregate classification (germline): Uncertain significance (1 of 4 stars; one submission).

Conditions:
Hereditary cancer-predisposing syndrome. Also called: Tumor predisposition; Neoplastic Syndromes, Hereditary; Hereditary neoplastic syndrome; Hereditary Cancer Syndrome. Identifiers: Orphanet 140162, MedGen C0027672, MeSH D009386, MONDO:0015356.

Submission:

Color Diagnostics, LLC DBA Color Health
Classification: Uncertain significance for Hereditary cancer-predisposing syndrome. Last evaluated: 2023-12-05. Review status: criteria provided, single submitter. Criteria: ACMG Guidelines, 2015. Collection method: clinical testing. Allele origin: germline.
Comment: This missense variant replaces lysine with threonine at codon 2413 of the APC protein. Computational prediction is inconclusive regarding the impact of this variant on protein structure and function (internally defined REVEL score threshold 0.5 < inconclusive < 0.7, PMID: 27666373). To our knowledge, functional studies have not been reported for this variant. This variant has not been reported in individuals affected with APC-related disorders in the literature. This variant has not been identified in the general population by the Genome Aggregation Database (gnomAD). The available evidence is insufficient to determine the role of this variant in disease conclusively. Therefore, this variant is classified as a Variant of Uncertain Significance.

NM_000038.6(APC):c.7238A>C (p.Lys2413Thr)

Gene: APC (APC regulator of Wnt signaling pathway; plus strand). Cytogenetic location: 5q22.2.
Variant type: single nucleotide variant.
Coding change: c.7238A>C on transcript NM_000038.6 (MANE Select); coding-DNA position 7238, A replaced by C.
Protein change: p.Lys2413Thr; replaces lysine 2413 with threonine.
Molecular consequence: missense variant.
Genome position (GRCh38, 1-based): chr5:112,842,832, A>C. VCF-style: chr5-112842832-A-C. GRCh37 (hg19) VCF-style: chr5-112178529-A-C.
Other names: c.7238A>C, p.Lys2413Thr (NM_001127510.3, NM_001354895.2); c.7184A>C, p.Lys2395Thr (NM_001127511.3); c.7292A>C, p.Lys2431Thr (NM_001354896.2); c.7268A>C, p.Lys2423Thr (NM_001354897.2); c.7163A>C, p.Lys2388Thr (NM_001354898.2); c.7154A>C, p.Lys2385Thr (NM_001354899.2); c.7115A>C, p.Lys2372Thr (NM_001354900.2); c.7061A>C, p.Lys2354Thr (NM_001354901.2); and 5 more; short protein forms K2395T, K2413T, K2130T, K2287T, K2354T, K2423T, K2372T, K2385T.
Identifiers: ClinVar variation 630574 (VCV000630574.5), dbSNP rs1561613932, ClinGen allele CA16037096.